The following is an entry in ClinVar:

ClinVar aggregate classification (germline): Pathogenic (1 of 4 stars; one submission).

Conditions:
Duchenne muscular dystrophy (DMD). Also called: MUSCULAR DYSTROPHY, PSEUDOHYPERTROPHIC PROGRESSIVE, DUCHENNE TYPE; Duchenne Muscular Dystrophy (DMD). Identifiers: Orphanet 98896, MedGen C0013264, MONDO:0010679, OMIM 310200.

Submission:

Labcorp Genetics (formerly Invitae), Labcorp
Classification: Pathogenic for Duchenne muscular dystrophy. Last evaluated: 2025-07-28. Review status: criteria provided, single submitter. Criteria: Invitae Variant Classification Sherloc (09022015). Collection method: clinical testing. Allele origin: germline.
Comment: This sequence change creates a premature translational stop signal (p.Gln2926*) in the DMD gene. It is expected to result in an absent or disrupted protein product. Loss-of-function variants in DMD are known to be pathogenic (PMID: 16770791, 25007885). This variant is not present in population databases (gnomAD no frequency). This premature translational stop signal has been observed in individual(s) with Duchenne muscular dystrophy (PMID: 18653336). ClinVar contains an entry for this variant (Variation ID: 2737141). For these reasons, this variant has been classified as Pathogenic.

Literature cited by the submitters: PubMed 16770791; PubMed 25007885; PubMed 18653336.

NM_004006.3(DMD):c.8776C>T (p.Gln2926Ter)

Gene: DMD (dystrophin; minus strand). Cytogenetic location: Xp21.2.
Variant type: single nucleotide variant.
Coding change: c.8776C>T on transcript NM_004006.3 (MANE Select); coding-DNA position 8776, C replaced by T.
Protein change: p.Gln2926Ter; replaces glutamine 2926 with a stop codon.
Molecular consequence: nonsense.
Genome position (GRCh38, 1-based): chrX:31,478,267, G>A on the plus strand (C>T on the coding strand, the complement: DMD is on the minus strand). VCF-style: chrX-31478267-G-A. GRCh37 (hg19) VCF-style: chrX-31496384-G-A.
Other names: c.8752C>T, p.Gln2918Ter (NM_000109.4); c.8764C>T, p.Gln2922Ter (NM_004009.3); c.8407C>T, p.Gln2803Ter (NM_004010.3); c.4753C>T, p.Gln1585Ter (NM_004011.4); c.4744C>T, p.Gln1582Ter (NM_004012.4); c.1396C>T, p.Gln466Ter (NM_004013.3, NM_004020.4, NM_004021.3 and 2 more transcripts); c.589C>T, p.Gln197Ter (NM_004014.3); short protein forms Q1582*, Q1585*, Q197*, Q2803*, Q2918*, Q2922*, Q2926*, Q466*.
Identifiers: ClinVar variation 2737141 (VCV002737141.3), dbSNP rs2149253473, ClinGen allele CA412654181.